The following is an entry in ClinVar:

ClinVar aggregate classification (germline): Pathogenic (1 of 4 stars; one submission).

Conditions:
Familial adenomatous polyposis 1 (FAP1). Also called: POLYPOSIS, ADENOMATOUS INTESTINAL; FAMILIAL ADENOMATOUS POLYPOSIS 1, ATTENUATED. Identifiers: MedGen C2713442, MONDO:0021056, OMIM 175100. Disease mechanism: loss of function.

Submission:

Labcorp Genetics (formerly Invitae), Labcorp
Classification: Pathogenic for Familial adenomatous polyposis 1. Last evaluated: 2020-09-24. Review status: criteria provided, single submitter. Criteria: Invitae Variant Classification Sherloc (09022015). Collection method: clinical testing. Allele origin: germline.
Comment: A different truncation (p.Tyr2645Lysfs*14) that lies downstream of this variant has been determined to be pathogenic (PMID: 9824584, 1316610, 27081525, 8381579, 22135120, Invitae). This suggests that deletion of this region of the APC protein is causative of disease. For these reasons, this variant has been classified as Pathogenic. This variant is expected to disrupt the EB1 and HDLG binding sites, which mediate interactions with the cytoskeleton (PMID: 15311282, 17293347). While functional studies have not been performed to directly test the effect on APC protein function, this suggests that disruption of the C-terminal portion of the protein is functionally important. This variant has not been reported in the literature in individuals with APC-related conditions. This variant is not present in population databases (ExAC no frequency). This sequence change results in a premature translational stop signal in the APC gene (p.Ser1196Hisfs*69). While this is not anticipated to result in nonsense mediated decay, it is expected to disrupt the last 1648 amino acids of the APC protein.

Literature cited by the submitters: PubMed 9824584; PubMed 1316610; PubMed 27081525; PubMed 8381579; PubMed 22135120; PubMed 15311282; PubMed 17293347.

NM_000038.6(APC):c.3586del (p.Ser1196fs)

Gene: APC (APC regulator of Wnt signaling pathway; plus strand). Cytogenetic location: 5q22.2.
Variant type: Deletion.
Coding change: c.3586del on transcript NM_000038.6 (MANE Select); coding-DNA position 3586, one base deleted (T; older notation c.3586delT).
Protein change: p.Ser1196fs; shifts the reading frame from serine 1196.
Molecular consequence: frameshift variant.
Genome position (GRCh38, 1-based): chr5:112,839,180, T deleted; the last of 4 consecutive T bases (chr5:112,839,177-112,839,180); deleting any one gives the same sequence. VCF-style (leftmost placement, unchanged base first): chr5-112839176-AT-A. GRCh37 (hg19) VCF-style: chr5-112174873-AT-A.
Other names: c.3586del, p.Ser1196fs (NM_001127510.3, NM_001354895.2); c.3532del, p.Ser1178fs (NM_001127511.3); c.3640del, p.Ser1214fs (NM_001354896.2); c.3616del, p.Ser1206fs (NM_001354897.2); c.3511del, p.Ser1171fs (NM_001354898.2); c.3502del, p.Ser1168fs (NM_001354899.2); c.3463del, p.Ser1155fs (NM_001354900.2); c.3409del, p.Ser1137fs (NM_001354901.2); and 5 more; short protein forms S1036fs, S1070fs, S1095fs, S1105fs, S1137fs, S1155fs, S1168fs, S1171fs.
Identifiers: ClinVar variation 1074053 (VCV001074053.10), dbSNP rs2149894885, ClinGen allele CA2499217474.
Genomic context (GRCh38, chr5:112,839,176, plus strand): 5'-TCAGCCTATTGATTATAGTTTAAAATATGCCACAGATATTCCTTCATCACAGAAACAGTC[AT>A]TTTCATTCTCAAAGAGTTCATCTGGACAAAGCAGTAAAACCGAACATATGTCTTCAAGCA-3'